The following is an entry in ClinVar:

NM_025114.4(CEP290):c.5226+7_5226+8insC

Gene: CEP290 (centrosomal protein 290; minus strand). Cytogenetic location: 12q21.32.
Variant type: Insertion.
Coding change: c.5226+7_5226+8insC on transcript NM_025114.4 (MANE Select); bases 7 to 8 of the intron after coding-DNA position 5226, C inserted.
Molecular consequence: intron variant.
Genome position: GRCh38 VCF-style: chr12-88080174-T-TG. GRCh37 (hg19) VCF-style: chr12-88473951-T-TG.
Identifiers: ClinVar variation 3030955 (VCV003030955.2), dbSNP rs2036089498, ClinGen allele CA2620106363.
Genomic context (GRCh38, chr12:88,080,174, plus strand): 5'-AAATCTTCTCTAAAAGCAATCTACCACATATTTTTCCTAAATGTTGATAATTTTCTGTTG[T>TG]TACTTACTTTCTGTTGTTTCTCCTTCAAGGCTAATTGGCTCTTTAGCCGTTCTACTAGAT-3'

ClinVar aggregate classification (germline): Likely benign (0 of 4 stars; one submission).

Conditions:
CEP290-related disorder. Also called: CEP290-related disorders; CEP290-related condition. Identifiers: MedGen CN239314.

Allele frequency attached by ClinVar (database versions not stated): gnomAD exomes below 0.00001.

Submission:

PreventionGenetics, part of Exact Sciences
Classification: Likely benign for CEP290-related condition. Last evaluated: 2023-06-16. Review status: no assertion criteria provided. Collection method: clinical testing. Allele origin: germline.
Comment: This variant is classified as likely benign based on ACMG/AMP sequence variant interpretation guidelines (Richards et al. 2015 PMID: 25741868, with internal and published modifications).